The following is an entry in ClinVar:

NM_004006.3(DMD):c.4691A>G (p.Gln1564Arg)

Gene: DMD (dystrophin; minus strand). Cytogenetic location: Xp21.1.
Variant type: single nucleotide variant.
Coding change: c.4691A>G on transcript NM_004006.3 (MANE Select); coding-DNA position 4691, A replaced by G.
Protein change: p.Gln1564Arg; replaces glutamine 1564 with arginine.
Molecular consequence: missense variant.
Genome position (GRCh38, 1-based): chrX:32,380,664, T>C on the plus strand (A>G on the coding strand, the complement: DMD is on the minus strand). VCF-style: chrX-32380664-T-C. GRCh37 (hg19) VCF-style: chrX-32398781-T-C.
Other names: c.4667A>G, p.Gln1556Arg (NM_000109.4); c.4679A>G, p.Gln1560Arg (NM_004009.3); c.4322A>G, p.Gln1441Arg (NM_004010.3); c.668A>G, p.Gln223Arg (NM_004011.4); c.659A>G, p.Gln220Arg (NM_004012.4); short protein forms Q1556R, Q1560R, Q220R, Q1564R, Q1441R, Q223R.
Identifiers: ClinVar variation 942640 (VCV000942640.11), dbSNP rs2097921065, ClinGen allele CA412661598.

ClinVar aggregate classification (germline): Uncertain significance. Review status: criteria provided, single submitter (1 of 4 stars). 2 submissions from 2 submitters: Uncertain significance (1). 1 of the submissions does not count toward it. Last evaluated 2019-09-11.

Conditions:
Duchenne muscular dystrophy (DMD). Also called: Duchenne Muscular Dystrophy (DMD); MUSCULAR DYSTROPHY, PSEUDOHYPERTROPHIC PROGRESSIVE, DUCHENNE TYPE. Identifiers: Orphanet 98896, MedGen C0013264, MONDO:0010679, OMIM 310200.
Cardiomyopathy (CMYO). Also called: Cardiomyopathies. Identifiers: Orphanet 167848, MedGen C0878544, MONDO:0004994, HP:0001638. Inheritance: Various modes of inheritance.
Dystrophin deficiency.
Becker muscular dystrophy (BMD). Also called: MUSCULAR DYSTROPHY, PSEUDOHYPERTROPHIC PROGRESSIVE, BECKER TYPE; Becker Muscular Dystrophy (BMD). Identifiers: Orphanet 98895, MedGen C0917713, MONDO:0010311, OMIM 300376.

Submissions (2):

Labcorp Genetics (formerly Invitae), Labcorp
Classification: Uncertain significance for Duchenne muscular dystrophy. Last evaluated: 2019-09-11. Review status: criteria provided, single submitter. Criteria: Invitae Variant Classification Sherloc (09022015). Collection method: clinical testing. Allele origin: germline.
Comment: This variant has not been reported in the literature in individuals with DMD-related conditions. In summary, the available evidence is currently insufficient to determine the role of this variant in disease. Therefore, it has been classified as a Variant of Uncertain Significance. Algorithms developed to predict the effect of missense changes on protein structure and function are either unavailable or do not agree on the potential impact of this missense change (SIFT: "Tolerated"; PolyPhen-2: "Possibly Damaging"; Align-GVGD: "Class C0"). This variant is not present in population databases (ExAC no frequency). This sequence change replaces glutamine with arginine at codon 1564 of the DMD protein (p.Gln1564Arg). The glutamine residue is highly conserved and there is a small physicochemical difference between glutamine and arginine.

Natera, Inc.
Classification: Uncertain significance for Becker muscular dystrophy; Cardiomyopathy; Duchenne muscular dystrophy; Dystrophin deficiency. Last evaluated: 2019-12-02. Review status: no assertion criteria provided. Collection method: clinical testing. Allele origin: germline. Not counted in ClinVar's aggregate classification.